The following is an entry in ClinVar:

ClinVar aggregate classification (germline): Uncertain significance. Review status: criteria provided, multiple submitters, no conflicts (2 of 4 stars). 3 submissions from 3 submitters: Uncertain significance (3). Last evaluated 2025-07-01.

Conditions:
Cardiovascular phenotype. Identifiers: MedGen CN230736.

Allele frequency attached by ClinVar (database versions not stated): gnomAD 0.00002; TOPMed 0.00002; ExAC 0.00005.
gnomAD v4.1: 137 of 1,602,162 alleles (0.0086%); highest among the groups gnomAD compares: Non-Finnish European, 0.011%; no homozygotes.

Submissions (3):

Ambry Genetics
Classification: Uncertain significance for Cardiovascular phenotype. Last evaluated: 2025-07-01. Review status: criteria provided, single submitter. Criteria: Ambry Variant Classification Scheme 2023. Collection method: clinical testing. Allele origin: germline.
Comment: The p.T1244P variant (also known as c.3730A>C), located in coding exon 8 of the TNXB gene, results from an A to C substitution at nucleotide position 3730. The threonine at codon 1244 is replaced by proline, an amino acid with highly similar properties. This amino acid position is highly conserved in available vertebrate species. In addition, this alteration is predicted to be tolerated by in silico analysis. Based on the available evidence, the clinical significance of this variant remains unclear.

Women's Health and Genetics/Laboratory Corporation of America, LabCorp
Classification: Uncertain significance. Last evaluated: 2025-02-03. Review status: criteria provided, single submitter. Criteria: LabCorp Variant Classification Summary - May 2015. Collection method: clinical testing. Allele origin: germline.
Comment: Variant summary: TNXB c.3730A>C (p.Thr1244Pro) results in a non-conservative amino acid change in the encoded protein sequence. Three of five in-silico tools predict a damaging effect of the variant on protein function. The variant allele was found at a frequency of 4.8e-05 in 228122 control chromosomes. This frequency is not significantly higher than estimated for a pathogenic variant in TNXB causing Ehlers-Danlos syndrome due to tenascin-X deficiency (4.8e-05 vs 0.0011), allowing no conclusion about variant significance. To our knowledge, no occurrence of c.3730A>C in individuals affected with Ehlers-Danlos syndrome due to tenascin-X deficiency and no experimental evidence demonstrating its impact on protein function have been reported. ClinVar contains an entry for this variant (Variation ID: 1707368). Based on the evidence outlined above, the variant was classified as uncertain significance.

GeneDx
Classification: Uncertain significance. Last evaluated: 2024-08-14. Review status: criteria provided, single submitter. Criteria: GeneDx Variant Classification Process June 2021. Collection method: clinical testing. Allele origin: germline. Affected: yes.
Comment: Has not been previously published as pathogenic or benign to our knowledge; In silico analysis supports that this missense variant has a deleterious effect on protein structure/function

NM_001365276.2(TNXB):c.3730A>C (p.Thr1244Pro)

Gene: TNXB (tenascin XB; minus strand). Cytogenetic location: 6p21.33.
Variant type: single nucleotide variant.
Coding change: c.3730A>C on transcript NM_001365276.2 (MANE Select); coding-DNA position 3730, A replaced by C.
Protein change: p.Thr1244Pro; replaces threonine 1244 with proline.
Molecular consequence: missense variant.
Genome position (GRCh38, 1-based): chr6:32,082,042, T>G on the plus strand (A>C on the coding strand, the complement: TNXB is on the minus strand). VCF-style: chr6-32082042-T-G. GRCh37 (hg19) VCF-style: chr6-32049819-T-G.
Other names: c.3730A>C, p.Thr1244Pro (NM_019105.8); short protein forms T1244P.
Identifiers: ClinVar variation 1707368 (VCV001707368.7), dbSNP rs767794379, ClinGen allele CA3735130.